The following is an entry in ClinVar:

ClinVar aggregate classification (germline): Uncertain significance. Review status: criteria provided, multiple submitters, no conflicts (2 of 4 stars). 2 submissions from 2 submitters: Uncertain significance (2). Last evaluated 2026-06-29.

Conditions:
Inborn genetic diseases. Identifiers: MedGen C0950123, MeSH D030342.

Allele frequency attached by ClinVar (database versions not stated): gnomAD 0.00001.
gnomAD v4.1: 2 of 1,614,134 alleles (0.00012%); highest among the groups gnomAD compares: Non-Finnish European, 0.00017%; no homozygotes.

Submissions (2):

Ambry Genetics
Classification: Uncertain significance for Inborn genetic diseases. Last evaluated: 2026-06-29. Review status: criteria provided, single submitter. Criteria: Ambry Variant Classification Scheme 2023. Collection method: clinical testing. Allele origin: germline.

GeneDx
Classification: Uncertain significance. Last evaluated: 2019-04-01. Review status: criteria provided, single submitter. Criteria: GeneDx Variant Classification Process June 2021. Collection method: clinical testing. Allele origin: germline. Affected: yes.
Comment: Not observed in large population cohorts (Lek et al., 2016); In silico analysis, which includes protein predictors and evolutionary conservation, supports a deleterious effect; Has not been previously published as pathogenic or benign to our knowledge

NM_000261.2(MYOC):c.1426A>G (p.Met476Val)

Gene: MYOC (myocilin; minus strand). Cytogenetic location: 1q24.3.
Variant type: single nucleotide variant.
Coding change: c.1426A>G on transcript NM_000261.2 (MANE Select); coding-DNA position 1426, A replaced by G.
Protein change: p.Met476Val; replaces methionine 476 with valine.
Molecular consequence: missense variant.
Genome position (GRCh38, 1-based): chr1:171,636,014, T>C on the plus strand (A>G on the coding strand, the complement: MYOC is on the minus strand). VCF-style: chr1-171636014-T-C. GRCh37 (hg19) VCF-style: chr1-171605154-T-C.
Other names: short protein forms M476V.
Identifiers: ClinVar variation 1308204 (VCV001308204.3), dbSNP rs764112994, ClinGen allele CA343723221.
Genomic context (GRCh38, chr1:171,636,014, plus strand): 5'-TGACCATGTTCAAGTTGTCCCAGGCAAAGAGCTTCTTCTCCAGGGGGTTGTAGTCAATCA[T>C]GCTGCTGTACTTATAGCGGTTCTTGAATGGGATGGTCAGGGTCTTGCTGATACCTGTGCC-3'
Protein context (NP_000252.1, residues 466-486): PFKNRYKYSS[Met476Val]IDYNPLEKKL